The following is an entry in ClinVar:

ClinVar aggregate classification (germline): Uncertain significance (1 of 4 stars; one submission).

gnomAD v4.1: 46 of 1,614,108 alleles (0.0028%); highest among the groups gnomAD compares: Non-Finnish European, 0.0039%; 1 homozygote.

Submission:

Labcorp Genetics (formerly Invitae), Labcorp
Classification: Uncertain significance. Last evaluated: 2024-03-14. Review status: criteria provided, single submitter. Criteria: Invitae Variant Classification Sherloc (09022015). Collection method: clinical testing. Allele origin: germline.
Comment: This sequence change replaces serine, which is neutral and polar, with threonine, which is neutral and polar, at codon 919 of the ATR protein (p.Ser919Thr). This variant is present in population databases (rs746370472, gnomAD 0.003%). This variant has not been reported in the literature in individuals affected with ATR-related conditions. ClinVar contains an entry for this variant (Variation ID: 1365800). An algorithm developed to predict the effect of missense changes on protein structure and function (PolyPhen-2) suggests that this variant¬†is likely to be tolerated. In summary, the available evidence is currently insufficient to determine the role of this variant in disease. Therefore, it has been classified as a Variant of Uncertain Significance.

NM_001184.4(ATR):c.2756G>C (p.Ser919Thr)

Gene: ATR (ATR serine/threonine kinase; minus strand). Cytogenetic location: 3q23.
Variant type: single nucleotide variant.
Coding change: c.2756G>C on transcript NM_001184.4 (MANE Select); coding-DNA position 2756, G replaced by C.
Protein change: p.Ser919Thr; replaces serine 919 with threonine.
Molecular consequence: missense variant.
Genome position (GRCh38, 1-based): chr3:142,553,276, C>G on the plus strand (G>C on the coding strand, the complement: ATR is on the minus strand). VCF-style: chr3-142553276-C-G. GRCh37 (hg19) VCF-style: chr3-142272118-C-G.
Other names: c.2564G>C, p.Ser855Thr (NM_001354579.2); short protein forms S855T, S919T.
Identifiers: ClinVar variation 1365800 (VCV001365800.5), dbSNP rs746370472, ClinGen allele CA2650284.